The following is an entry in ClinVar:

ClinVar aggregate classification (germline): Benign/Likely benign. Review status: criteria provided, multiple submitters, no conflicts (2 of 4 stars). 11 submissions from 11 submitters: Benign (1); Likely benign (10). Last evaluated 2025-09-14.

Conditions:
Hereditary nonpolyposis colorectal neoplasms. Identifiers: MedGen C0009405, MeSH D003123.
Hereditary cancer-predisposing syndrome. Also called: Tumor predisposition; Neoplastic Syndromes, Hereditary; Hereditary Cancer Syndrome; Hereditary neoplastic syndrome. Identifiers: Orphanet 140162, MedGen C0027672, MeSH D009386, MONDO:0015356.
Lynch syndrome. Identifiers: Orphanet 144, MedGen C4552100, MONDO:0005835. Disease mechanism: loss of function.
Lynch syndrome 4 (LYNCH4). Also called: Hereditary non-polyposis colorectal cancer, type 4; Colorectal cancer, hereditary nonpolyposis, type 4. Identifiers: Orphanet 144, MedGen C1838333, MONDO:0013699, OMIM 614337. Disease mechanism: loss of function.

Allele frequency attached by ClinVar (database versions not stated): gnomAD 0.00001; TOPMed 0.00001.
gnomAD v4.1: 8 of 1,613,850 alleles (0.0005%); highest among the groups gnomAD compares: East Asian, 0.0022%; no homozygotes.

Submissions (11):

Labcorp Genetics (formerly Invitae), Labcorp
Classification: Likely benign for Hereditary nonpolyposis colorectal neoplasms. Last evaluated: 2025-09-14. Review status: criteria provided, single submitter. Criteria: Invitae Variant Classification Sherloc (09022015). Collection method: clinical testing. Allele origin: germline.

CeGaT Center for Human Genetics Tuebingen
Classification: Likely benign. Last evaluated: 2025-05-01. Review status: criteria provided, single submitter. Criteria: CeGaT Center For Human Genetics Tuebingen Variant Classification Criteria Version 2. Collection method: clinical testing. Allele origin: germline. Affected: yes. Observed: 1 variant allele.
Comment: PMS2: BP4, BP7

Center for Genomic Medicine, Rigshospitalet, Copenhagen University Hospital
Classification: Likely benign. Last evaluated: 2025-03-04. Review status: criteria provided, single submitter. Criteria: ACMG Guidelines, 2015. Collection method: clinical testing. Allele origin: germline.

Myriad Genetics, Inc.
Classification: Benign for Lynch syndrome 4. Last evaluated: 2025-01-30. Review status: criteria provided, single submitter. Criteria: Myriad Autosomal Dominant, Autosomal Recessive and X-Linked Classification Criteria (2023). Collection method: clinical testing. Allele origin: unknown.
Comment: This variant is considered benign. This variant is a silent/synonymous amino acid change and it is not expected to impact splicing.

KCCC/NGS Laboratory, Kuwait Cancer Control Center
Classification: Likely benign for Lynch syndrome 4. Last evaluated: 2023-07-07. Review status: criteria provided, single submitter. Criteria: ACMG Guidelines, 2015. Collection method: clinical testing. Allele origin: germline. Affected: yes.

All of Us Research Program, National Institutes of Health
Classification: Likely benign for Lynch syndrome. Last evaluated: 2023-05-16. Review status: criteria provided, single submitter. Criteria: ACMG Guidelines, 2015. Collection method: clinical testing. Allele origin: germline. Inheritance: Autosomal dominant inheritance. Observed: 2 variant alleles, 2 heterozygotes.
Comment: This study involves interpretation of variants in research participants for the purpose of population health screening. Participant phenotype was not available at the time of variant classification. Additional details can be found in publication PMID: 35346344, PMCID: PMC8962531

Quest Diagnostics Nichols Institute San Juan Capistrano
Classification: Likely benign. Last evaluated: 2022-09-22. Review status: criteria provided, single submitter. Criteria: Quest Diagnostics criteria. Collection method: clinical testing. Allele origin: unknown.

Women's Health and Genetics/Laboratory Corporation of America, LabCorp
Classification: Likely benign. Last evaluated: 2019-08-29. Review status: criteria provided, single submitter. Criteria: LabCorp Variant Classification Summary - May 2015. Collection method: clinical testing. Allele origin: germline.

GeneDx
Classification: Likely benign. Last evaluated: 2017-08-17. Review status: criteria provided, single submitter. Criteria: GeneDx Variant Classification (06012015). Collection method: clinical testing. Allele origin: germline. Affected: yes.
Comment: This variant is considered likely benign or benign based on one or more of the following criteria: it is a conservative change, it occurs at a poorly conserved position in the protein, it is predicted to be benign by multiple in silico algorithms, and/or has population frequency not consistent with disease.

Color Diagnostics, LLC DBA Color Health
Classification: Likely benign for Hereditary cancer-predisposing syndrome. Last evaluated: 2016-12-12. Review status: criteria provided, single submitter. Criteria: ACMG Guidelines, 2015. Collection method: clinical testing. Allele origin: germline.

Ambry Genetics
Classification: Likely benign for Hereditary cancer-predisposing syndrome. Last evaluated: 2016-09-22. Review status: criteria provided, single submitter. Criteria: Ambry Variant Classification Scheme 2023. Collection method: clinical testing. Allele origin: germline.

NM_000535.7(PMS2):c.1587G>A (p.Ser529=)

Gene: PMS2 (PMS1 homolog 2, mismatch repair system component; minus strand). Cytogenetic location: 7p22.1.
Variant type: single nucleotide variant.
Coding change: c.1587G>A on transcript NM_000535.7 (MANE Select); coding-DNA position 1587, G replaced by A.
Protein change: p.Ser529=; no amino-acid change (serine 529 retained).
Molecular consequence: synonymous variant. On other transcripts: non-coding transcript variant (1).
Genome position (GRCh38, 1-based): chr7:5,987,178, C>T on the plus strand (G>A on the coding strand, the complement: PMS2 is on the minus strand). VCF-style: chr7-5987178-C-T. GRCh37 (hg19) VCF-style: chr7-6026809-C-T.
Other names: c.1587G>A (NM_000535.6); c.1182G>A, p.Ser394= (NM_001322003.2, NM_001322004.2, NM_001322005.2 and 1 more transcripts); c.1431G>A, p.Ser477= (NM_001322006.2); c.1269G>A, p.Ser423= (NM_001322007.2, NM_001322008.2); c.1026G>A, p.Ser342= (NM_001322010.2); c.654G>A, p.Ser218= (NM_001322011.2, NM_001322012.2); c.1014G>A, p.Ser338= (NM_001322013.2); c.1587G>A, p.Ser529= (NM_001322014.2); and 1 more.
Identifiers: ClinVar variation 184812 (VCV000184812.33), dbSNP rs786201709, ClinGen allele CA009905.
Genomic context (GRCh38, chr7:5,987,178, plus strand): 5'-CACATCTGAAAAAGAGTCGTCAGTTTTAGGCGCTTTCTCCTGAGAGTCCACATGTTCCTG[C>T]GAGCCCCTGTCCCCTGGGGAGCTGGCCGCATACTCGCTGCTGCAGTGACTGCCCGTGTCT-3'
Protein context (NP_000526.2, residues 519-539): YAASSPGDRG[Ser529=]QEHVDSQEKA